The following is an entry in ClinVar:

ClinVar aggregate classification (germline): Uncertain significance. Review status: criteria provided, multiple submitters, no conflicts (2 of 4 stars). 2 submissions from 2 submitters: Uncertain significance (2). Last evaluated 2025-05-13.

Conditions:
Charcot-Marie-Tooth disease dominant intermediate F. Identifiers: Orphanet 352670, MedGen C4749463, MONDO:0014074, OMIM 615185.
Inborn genetic diseases. Identifiers: MedGen C0950123, MeSH D030342.

Allele frequency attached by ClinVar (database versions not stated): gnomAD exomes 0.00001 and 0.00002; gnomAD 0.00002 and 0.00003; TOPMed 0.00003; ESP Exome Variant Server 0.00008.
gnomAD v4.1: 32 of 1,604,042 alleles (0.002%); highest among the groups gnomAD compares: Non-Finnish European, 0.0026%; no homozygotes.

Submissions (2):

Ambry Genetics
Classification: Uncertain significance for Inborn genetic diseases. Last evaluated: 2025-05-13. Review status: criteria provided, single submitter. Criteria: Ambry Variant Classification Scheme 2023. Collection method: clinical testing. Allele origin: germline.

Labcorp Genetics (formerly Invitae), Labcorp
Classification: Uncertain significance for Charcot-Marie-Tooth disease dominant intermediate F. Last evaluated: 2023-07-28. Review status: criteria provided, single submitter. Criteria: Invitae Variant Classification Sherloc (09022015). Collection method: clinical testing. Allele origin: germline.
Comment: This variant has not been reported in the literature in individuals affected with GNB4-related conditions. In summary, the available evidence is currently insufficient to determine the role of this variant in disease. Therefore, it has been classified as a Variant of Uncertain Significance. Advanced modeling of protein sequence and biophysical properties (such as structural, functional, and spatial information, amino acid conservation, physicochemical variation, residue mobility, and thermodynamic stability) performed at Invitae indicates that this missense variant is not expected to disrupt GNB4 protein function. ClinVar contains an entry for this variant (Variation ID: 1430690). The frequency data for this variant in the population databases is considered unreliable, as metrics indicate poor data quality at this position in the gnomAD database. This sequence change replaces glutamic acid, which is acidic and polar, with glutamine, which is neutral and polar, at codon 12 of the GNB4 protein (p.Glu12Gln).

NM_021629.4(GNB4):c.34G>C (p.Glu12Gln)

Gene: GNB4 (G protein subunit beta 4; minus strand). Cytogenetic location: 3q26.33.
Variant type: single nucleotide variant.
Coding change: c.34G>C on transcript NM_021629.4 (MANE Select); coding-DNA position 34, G replaced by C.
Protein change: p.Glu12Gln; replaces glutamic acid 12 with glutamine.
Molecular consequence: missense variant.
Genome position (GRCh38, 1-based): chr3:179,426,167, C>G on the plus strand (G>C on the coding strand, the complement: GNB4 is on the minus strand). VCF-style: chr3-179426167-C-G. GRCh37 (hg19) VCF-style: chr3-179143955-C-G.
Other names: c.34G>C (NM_021629.3); short protein forms E12Q.
Identifiers: ClinVar variation 1430690 (VCV001430690.7), dbSNP rs142308226, ClinGen allele CA88754060.